The following is an entry in ClinVar:

NM_000199.5(SGSH):c.314G>A (p.Arg105Gln)

Gene: SGSH (N-sulfoglucosamine sulfohydrolase; minus strand). Cytogenetic location: 17q25.3.
Variant type: single nucleotide variant.
Coding change: c.314G>A on transcript NM_000199.5 (MANE Select); coding-DNA position 314, G replaced by A.
Protein change: p.Arg105Gln; replaces arginine 105 with glutamine.
Molecular consequence: missense variant.
Genome position (GRCh38, 1-based): chr17:80,215,074, C>T on the plus strand (G>A on the coding strand, the complement: SGSH is on the minus strand). VCF-style: chr17-80215074-C-T. GRCh37 (hg19) VCF-style: chr17-78188873-C-T.
Other names: p.Arg105Gln; c.314G>A (NM_000199.3); c.314G>A, p.Arg105Gln (NM_001352921.3, NM_001352922.2); short protein forms R105Q.
Identifiers: ClinVar variation 1419113 (VCV001419113.5), dbSNP rs375058146, ClinGen allele CA8818086.

ClinVar aggregate classification (germline): Conflicting classifications of pathogenicity. Review status: criteria provided, conflicting classifications (1 of 4 stars). 3 submissions from 3 submitters: Uncertain significance (2); Likely benign (1). Last evaluated 2025-02-25.

Conditions:
Inborn genetic diseases. Identifiers: MedGen C0950123, MeSH D030342.
Mucopolysaccharidosis, MPS-III-A (MPS3A). Also called: HEPARAN SULFATE SULFATASE DEFICIENCY; SANFILIPPO SYNDROME A; SULFAMIDASE DEFICIENCY; MPS III A; MPS IIIA (Sanfilippo Syndrome Type A); Mucopolysaccharidosis type IIIA (Sanfilippo A). Identifiers: Orphanet 581, Orphanet 79269, MedGen C0086647, MONDO:0009655, OMIM 252900.

Allele frequency attached by ClinVar (database versions not stated): TOPMed 0.00002; ExAC 0.00003; gnomAD exomes 0.00002; gnomAD 0.00004 and 0.00003; ESP Exome Variant Server 0.00008.
gnomAD v4.1: 21 of 1,612,088 alleles (0.0013%); highest among the groups gnomAD compares: East Asian, 0.0067%; no homozygotes.

Submissions (3):

Mayo Clinic Laboratories, Mayo Clinic
Classification: Uncertain significance. Last evaluated: 2025-02-25. Review status: criteria provided, single submitter. Criteria: ACMG Guidelines, 2015. Collection method: clinical testing. Allele origin: germline. Observed: 1 variant allele.
Comment: PM2_supporting

Ambry Genetics
Classification: Likely benign for Inborn genetic diseases. Last evaluated: 2023-02-07. Review status: criteria provided, single submitter. Criteria: Ambry Variant Classification Scheme 2023. Collection method: clinical testing. Allele origin: germline.

Labcorp Genetics (formerly Invitae), Labcorp
Classification: Uncertain significance for Mucopolysaccharidosis, MPS-III-A. Last evaluated: 2021-09-08. Review status: criteria provided, single submitter. Criteria: Invitae Variant Classification Sherloc (09022015). Collection method: clinical testing. Allele origin: germline.
Comment: This sequence change replaces arginine with glutamine at codon 105 of the SGSH protein (p.Arg105Gln). The arginine residue is weakly conserved and there is a small physicochemical difference between arginine and glutamine. This variant is present in population databases (rs375058146, ExAC 0.02%). This variant has not been reported in the literature in individuals affected with SGSH-related conditions. Advanced modeling of protein sequence and biophysical properties (such as structural, functional, and spatial information, amino acid conservation, physicochemical variation, residue mobility, and thermodynamic stability) performed at Invitae indicates that this missense variant is expected to disrupt SGSH protein function. In summary, the available evidence is currently insufficient to determine the role of this variant in disease. Therefore, it has been classified as a Variant of Uncertain Significance.